The following is an entry in ClinVar:

ClinVar aggregate classification (germline): Benign. Review status: criteria provided, single submitter (1 of 4 stars). 2 submissions from 2 submitters: Benign (1). 1 of the submissions does not count toward it. Last evaluated 2025-10-14.

Conditions:
EP300-related disorder. Also called: EP300-related condition; EP300-related disorders.
Rubinstein-Taybi syndrome due to EP300 haploinsufficiency. Also called: RUBINSTEIN-TAYBI SYNDROME 2; EP300-Related Rubinstein-Taybi Syndrome. Identifiers: Orphanet 353284, Orphanet 783, MedGen C3150941, MONDO:0013364, OMIM 613684.

Allele frequency attached by ClinVar (database versions not stated): ExAC 0.00001; gnomAD exomes 0.00001; TOPMed 0.00002; gnomAD 0.00003.
gnomAD v4.1: 15 of 1,612,666 alleles (0.00093%); highest among the groups gnomAD compares: African/African-American, 0.0013%; no homozygotes.

Submissions (2):

Labcorp Genetics (formerly Invitae), Labcorp
Classification: Benign for Rubinstein-Taybi syndrome due to EP300 haploinsufficiency. Last evaluated: 2025-10-14. Review status: criteria provided, single submitter. Criteria: Invitae Variant Classification Sherloc (09022015). Collection method: clinical testing. Allele origin: germline.

PreventionGenetics, part of Exact Sciences
Classification: Likely benign for EP300-related condition. Last evaluated: 2023-11-22. Review status: no assertion criteria provided. Collection method: clinical testing. Allele origin: germline. Not counted in ClinVar's aggregate classification.
Comment: This variant is classified as likely benign based on ACMG/AMP sequence variant interpretation guidelines (Richards et al. 2015 PMID: 25741868, with internal and published modifications).

NM_001429.4(EP300):c.3690A>G (p.Gln1230=)

Gene: EP300 (EP300 lysine acetyltransferase; plus strand). Cytogenetic location: 22q13.2.
Variant type: single nucleotide variant.
Coding change: c.3690A>G on transcript NM_001429.4 (MANE Select); coding-DNA position 3690, A replaced by G.
Protein change: p.Gln1230=; no amino-acid change (glutamine 1230 retained).
Molecular consequence: synonymous variant.
Genome position (GRCh38, 1-based): chr22:41,162,741, A>G. VCF-style: chr22-41162741-A-G. GRCh37 (hg19) VCF-style: chr22-41558745-A-G.
Other names: c.3612A>G, p.Gln1204= (NM_001362843.2); c.3690A>G (NM_001429.3).
Identifiers: ClinVar variation 2420415 (VCV002420415.9), dbSNP rs772381383, ClinGen allele CA10253198.